The following is an entry in ClinVar:

ClinVar aggregate classification (germline): Uncertain significance (1 of 4 stars; one submission).

gnomAD v4.1: 1 of 1,614,214 alleles (0.000062%); highest among the groups gnomAD compares: Non-Finnish European, 0.000085%; no homozygotes.

Submission:

GeneDx
Classification: Uncertain significance. Last evaluated: 2022-11-29. Review status: criteria provided, single submitter. Criteria: GeneDx Variant Classification Process June 2021. Collection method: clinical testing. Allele origin: germline. Affected: yes.
Comment: Not observed at significant frequency in large population cohorts (gnomAD); In silico analysis supports that this missense variant does not alter protein structure/function; Has not been previously published as pathogenic or benign to our knowledge

NM_014000.3(VCL):c.1097A>T (p.Lys366Ile)

Gene: VCL (vinculin; plus strand). Cytogenetic location: 10q22.2.
Variant type: single nucleotide variant.
Coding change: c.1097A>T on transcript NM_014000.3 (MANE Select); coding-DNA position 1097, A replaced by T.
Protein change: p.Lys366Ile; replaces lysine 366 with isoleucine.
Molecular consequence: missense variant.
Genome position (GRCh38, 1-based): chr10:74,089,270, A>T. VCF-style: chr10-74089270-A-T. GRCh37 (hg19) VCF-style: chr10-75849028-A-T.
Other names: c.1097A>T, p.Lys366Ile (NM_003373.4); short protein forms K366I.
Identifiers: ClinVar variation 2503384 (VCV002503384.1), dbSNP rs2549222693, ClinGen allele CA377272560.
Genomic context (GRCh38, chr10:74,089,270, plus strand): 5'-CACCGGTGGCCATGCAGAAAGCTCAGCAGGTATCTCAGGGTCTGGATGTGCTCACAGCAA[A>T]AGTGGAAAATGCAGCTCGCAAGCTGGAAGCCATGACCAACTCAAAGCAGAGCATTGCAAA-3'
Protein context (NP_054706.1, residues 356-376): VSQGLDVLTA[Lys366Ile]VENAARKLEA